The following is an entry in ClinVar:

ClinVar aggregate classification (germline): Conflicting classifications of pathogenicity. Review status: criteria provided, conflicting classifications (1 of 4 stars). 6 submissions from 6 submitters: Uncertain significance (1); Benign (1); Likely benign (3). 1 of the submissions does not count toward it. Last evaluated 2026-01-25.

Conditions:
Usher syndrome type 1 (USH1). Also called: RETINITIS PIGMENTOSA AND CONGENITAL DEAFNESS. Identifiers: Orphanet 231169, Orphanet 886, MedGen C1568247, MONDO:0010168, OMIM 276900.

Allele frequency attached by ClinVar (database versions not stated): 1000 Genomes Project 30x 0.00031; 1000 Genomes Project 0.00040; TOPMed 0.00123.
gnomAD v4.1: 314 of 1,613,910 alleles (0.019%); highest among the groups gnomAD compares: African/African-American, 0.33%; 2 homozygotes.

Submissions (6):

Labcorp Genetics (formerly Invitae), Labcorp
Classification: Benign. Last evaluated: 2026-01-25. Review status: criteria provided, single submitter. Criteria: Invitae Variant Classification Sherloc (09022015). Collection method: clinical testing. Allele origin: germline.

Blueprint Genetics
Classification: Likely benign. Last evaluated: 2024-10-10. Review status: criteria provided, single submitter. Criteria: ACMG Guidelines, 2015. Collection method: clinical testing. Allele origin: germline.

GeneDx
Classification: Likely benign. Last evaluated: 2021-06-24. Review status: criteria provided, single submitter. Criteria: GeneDx Variant Classification Process June 2021. Collection method: clinical testing. Allele origin: germline. Affected: yes.

Eurofins Ntd Llc (ga)
Classification: Uncertain significance. Last evaluated: 2017-02-21. Review status: criteria provided, single submitter. Criteria: EGL Classification Definitions 2015. Collection method: clinical testing. Allele origin: germline. Observed: 3 variant alleles, 3 heterozygotes.

Laboratory for Molecular Medicine, Mass General Brigham Personalized Medicine
Classification: Likely benign. Last evaluated: 2015-07-02. Review status: criteria provided, single submitter. Criteria: LMM Criteria. Collection method: clinical testing. Allele origin: germline. Observed: 3 variant alleles.
Comment: p.Ile1710Ile in exon 40 of CDH23: This variant is not expected to have clinical significance because it does not alter an amino acid residue, is not located wit hin the splice consensus sequence, has been identified in 0.3% (34/9808) of Afri can chromosomes by the Exome Aggregation Consortium (ExAC; dbSNP rs111033487).

Natera, Inc.
Classification: Uncertain significance for Usher syndrome type 1. Last evaluated: 2020-04-16. Review status: no assertion criteria provided. Collection method: clinical testing. Allele origin: germline. Not counted in ClinVar's aggregate classification.

NM_022124.6(CDH23):c.5130C>A (p.Ile1710=)

Gene: CDH23 (cadherin related 23; plus strand). Cytogenetic location: 10q22.1.
Variant type: single nucleotide variant.
Coding change: c.5130C>A on transcript NM_022124.6 (MANE Select); coding-DNA position 5130, C replaced by A.
Protein change: p.Ile1710=; no amino-acid change (isoleucine 1710 retained).
Molecular consequence: synonymous variant.
Genome position (GRCh38, 1-based): chr10:71,778,251, C>A. VCF-style: chr10-71778251-C-A. GRCh37 (hg19) VCF-style: chr10-73538008-C-A.
Identifiers: ClinVar variation 45967 (VCV000045967.23), dbSNP rs111033487, ClinGen allele CA137466.